The following is an entry in ClinVar:

ClinVar aggregate classification (germline): Uncertain significance (1 of 4 stars; one submission).

Conditions:
Dyskeratosis congenita, autosomal dominant 2. Identifiers: MedGen C3151443, MONDO:0013521, OMIM 613989.
Idiopathic Pulmonary Fibrosis. Also called: Idiopathic fibrosing alveolitis, chronic form; idiopathic fibrosing alveolitis. Identifiers: Orphanet 2032, MedGen C1800706, MeSH D054990, MONDO:0800504.

Allele frequency attached by ClinVar (database versions not stated): gnomAD exomes below 0.00001.
gnomAD v4.1: 2 of 1,545,672 alleles (0.00013%); highest among the groups gnomAD compares: East Asian, 0.0024%; no homozygotes.

Submission:

Labcorp Genetics (formerly Invitae), Labcorp
Classification: Uncertain significance for Dyskeratosis congenita, autosomal dominant 2; Idiopathic Pulmonary Fibrosis. Last evaluated: 2024-04-09. Review status: criteria provided, single submitter. Criteria: Invitae Variant Classification Sherloc (09022015). Collection method: clinical testing. Allele origin: germline.
Comment: This sequence change replaces alanine, which is neutral and non-polar, with valine, which is neutral and non-polar, at codon 437 of the TERT protein (p.Ala437Val). This variant is not present in population databases (gnomAD no frequency). This variant has not been reported in the literature in individuals affected with TERT-related conditions. ClinVar contains an entry for this variant (Variation ID: 471820). Advanced modeling of protein sequence and biophysical properties (such as structural, functional, and spatial information, amino acid conservation, physicochemical variation, residue mobility, and thermodynamic stability) has been performed at Invitae for this missense variant, however the output from this modeling did not meet the statistical confidence thresholds required to predict the impact of this variant on TERT protein function. In summary, the available evidence is currently insufficient to determine the role of this variant in disease. Therefore, it has been classified as a Variant of Uncertain Significance.

NM_198253.3(TERT):c.1310C>T (p.Ala437Val)

Gene: TERT (telomerase reverse transcriptase; minus strand). Cytogenetic location: 5p15.33.
Variant type: single nucleotide variant.
Coding change: c.1310C>T on transcript NM_198253.3 (MANE Select); coding-DNA position 1310, C replaced by T.
Protein change: p.Ala437Val; replaces alanine 437 with valine.
Molecular consequence: missense variant. On other transcripts: non-coding transcript variant (2).
Genome position (GRCh38, 1-based): chr5:1,293,576, G>A on the plus strand (C>T on the coding strand, the complement: TERT is on the minus strand). VCF-style: chr5-1293576-G-A. GRCh37 (hg19) VCF-style: chr5-1293691-G-A.
Other names: c.1310C>T, p.Ala437Val (NM_001193376.3); short protein forms A437V.
Identifiers: ClinVar variation 471820 (VCV000471820.7), dbSNP rs1554042841, ClinGen allele CA359086268.